The following is an entry in ClinVar:

NM_000552.5(VWF):c.7880del (p.Cys2627fs)

Gene: VWF (von Willebrand factor; minus strand). Cytogenetic location: 12p13.31.
Variant type: Deletion.
Coding change: c.7880del on transcript NM_000552.5 (MANE Select); coding-DNA position 7880, one base deleted (G; older notation c.7880delG).
Protein change: p.Cys2627fs; shifts the reading frame from cysteine 2627.
Molecular consequence: frameshift variant.
Genome position (GRCh38, 1-based): chr12:5,967,493, C deleted on the plus strand (G on the coding strand, the reverse complement: VWF is on the minus strand). VCF-style (leftmost placement, unchanged base first): chr12-5967492-GC-G. GRCh37 (hg19) VCF-style: chr12-6076658-GC-G.
Other names: short protein forms C2627fs.
Identifiers: ClinVar variation 3376683 (VCV003376683.1).
Genomic context (GRCh38, chr12:5,967,492, plus strand): 5'-TGGGTCCCACACGCGTCCAGTCCATGCCCTCGGTCCCCATTGAGCCTCTCTTACCAGGGG[GC>G]AGGGGTTGCAGGTGGTCTTCCTGCACTCCAGCTTGAATCCAGAGATGACCCCCACCTGCA-3'

ClinVar aggregate classification (germline): Pathogenic (1 of 4 stars; one submission).

Conditions:
von Willebrand disease type 1 (VWD1). Also called: VWD, TYPE 1; VON WILLEBRAND DISEASE, TYPE I. Identifiers: Orphanet 166078, Orphanet 903, MedGen C1264039, MONDO:0008668, OMIM 193400. Inheritance: autosomal recessive or autosomal dominant.

Submission:

Victorian Clinical Genetics Services, Murdoch Childrens Research Institute
Classification: Pathogenic for von Willebrand disease type 1. Last evaluated: 2022-02-02. Review status: criteria provided, single submitter. Criteria: ACMG Guidelines, 2015. Collection method: clinical testing. Allele origin: germline. Inheritance: Autosomal dominant inheritance. Affected: no.
Comment: Based on the classification scheme VCGS_Germline_v1.3.4, this variant is classified as Pathogenic. Following criteria are met: 0103 - Dominant negative, gain of function and loss of function are known mechanisms of disease in this gene and are associated with VWD (OMIM, PMID: 30488424). (I) 0108 - This gene is associated with both recessive and dominant disease. VWD can be both dominantly and recessively inherited, and is categorised into six different types: 1 (MIM#193400), 2A, 2B, 2M, 2N (MIM#613554), and 3 (MIM#277480). (I) 0112 - The condition associated with this gene has incomplete penetrance (PMIDs: 19372260, 20301765). (I) 0115 - Variants in this gene are known to have variable expressivity (PMIDs: 19372260, 20301765). (I) 0201 - Variant is predicted to cause nonsense-mediated decay (NMD) and loss of protein (premature termination codon is located at least 54 nucleotides upstream of the final exon-exon junction). (SP) 0251 - This variant is heterozygous. (I) 0301 - Variant is absent from gnomAD (both v2 and v3). (SP) 0701 - Other premature termination variants comparable to the one identified in this case have very strong previous evidence for pathogenicity. Many NMD-predicted variants have been reported as likely pathogenic/pathogenic (ClinVar). Null alleles in this gene are typically associated with autosomal recessive type 3 von Willebrand disease (VWD), however haploinsufficiency resulting from heterozygous null alleles has been reported in a small proportion of cases with type 1 VWD (PMIDs: 20301765, 21289515). (SP) 0807 - This variant has no previous evidence of pathogenicity. (I) 0905 - No published segregation evidence has been identified for this variant. (I) 1007 - No published functional evidence has been identified for this variant. (I) 1208 - Inheritance information for this variant is not currently available in this individual. (I) Legend: (SP) - Supporting pathogenic, (I) - Information, (SB) - Supporting benign

Literature cited by the submitters: PubMed 19372260; PubMed 20301765; PubMed 21289515; PubMed 30488424.